The following is an entry in ClinVar:

NM_001042545.2(LTBP4):c.3901C>T (p.Arg1301Cys)

Gene: LTBP4 (latent transforming growth factor beta binding protein 4; plus strand). Cytogenetic location: 19q13.2.
Variant type: single nucleotide variant.
Coding change: c.3901C>T on transcript NM_001042545.2 (MANE Select); coding-DNA position 3901, C replaced by T.
Protein change: p.Arg1301Cys; replaces arginine 1301 with cysteine.
Molecular consequence: missense variant.
Genome position (GRCh38, 1-based): chr19:40,625,925, C>T. VCF-style: chr19-40625925-C-T. GRCh37 (hg19) VCF-style: chr19-41131830-C-T.
Other names: c.4102C>T, p.Arg1368Cys (NM_001042544.1); c.3991C>T, p.Arg1331Cys (NM_003573.2); short protein forms R1301C, R1331C, R1368C.
Identifiers: ClinVar variation 1514338 (VCV001514338.5), dbSNP rs569784624, ClinGen allele CA308435280.

ClinVar aggregate classification (germline): Uncertain significance (1 of 4 stars; one submission).

Allele frequency attached by ClinVar (database versions not stated): gnomAD exomes 0.00001; TOPMed 0.00003; 1000 Genomes Project 30x 0.00016; 1000 Genomes Project 0.00020.
gnomAD v4.1: 38 of 1,604,430 alleles (0.0024%); highest among the groups gnomAD compares: South Asian, 0.0034%; no homozygotes.

Submission:

Labcorp Genetics (formerly Invitae), Labcorp
Classification: Uncertain significance. Last evaluated: 2022-02-08. Review status: criteria provided, single submitter. Criteria: Invitae Variant Classification Sherloc (09022015). Collection method: clinical testing. Allele origin: germline.
Comment: In summary, the available evidence is currently insufficient to determine the role of this variant in disease. Therefore, it has been classified as a Variant of Uncertain Significance. Experimental studies and prediction algorithms are not available or were not evaluated, and the functional significance of this variant is currently unknown. This variant has not been reported in the literature in individuals affected with LTBP4-related conditions. The frequency data for this variant in the population databases is considered unreliable, as metrics indicate poor data quality at this position in the gnomAD database. This sequence change replaces arginine with cysteine at codon 1331 of the LTBP4 protein (p.Arg1331Cys). The arginine residue is highly conserved and there is a large physicochemical difference between arginine and cysteine.